The following is an entry in ClinVar:

ClinVar aggregate classification (germline): Benign (1 of 4 stars; one submission).

Allele frequency attached by ClinVar (database versions not stated): gnomAD 0.04839; 1000 Genomes Project 0.05791; TOPMed 0.05935; 1000 Genomes Project 30x 0.06043.
gnomAD v4.1: 8,419 of 152,276 alleles (5.5%); highest among the groups gnomAD compares: Middle Eastern, 9.2%; 265 homozygotes.

Submission:

GeneDx
Classification: Benign. Last evaluated: 2018-06-14. Review status: criteria provided, single submitter. Criteria: GeneDx Variant Classification (06012015). Collection method: clinical testing. Allele origin: germline. Affected: yes.
Comment: This variant is considered likely benign or benign based on one or more of the following criteria: it is a conservative change, it occurs at a poorly conserved position in the protein, it is predicted to be benign by multiple in silico algorithms, and/or has population frequency not consistent with disease.

NM_001851.6(COL9A1):c.780+171T>G

Gene: COL9A1 (collagen type IX alpha 1 chain; minus strand). Cytogenetic location: 6q13.
Variant type: single nucleotide variant.
Coding change: c.780+171T>G on transcript NM_001851.6 (MANE Select); 171 bases into the intron after coding-DNA position 780, T replaced by G.
Molecular consequence: intron variant.
Genome position (GRCh38, 1-based): chr6:70,283,566, A>C on the plus strand (T>G on the coding strand, the complement: COL9A1 is on the minus strand). VCF-style: chr6-70283566-A-C. GRCh37 (hg19) VCF-style: chr6-70993269-A-C.
Other names: c.780+171T>G (NM_001377291.1).
Identifiers: ClinVar variation 678036 (VCV000678036.1), dbSNP rs62420260, ClinGen allele CA12239654.